The following is an entry in ClinVar:

NM_001062.4(TCN1):c.505C>T (p.His169Tyr)

Gene: TCN1 (transcobalamin 1; minus strand). Cytogenetic location: 11q12.1.
Variant type: single nucleotide variant.
Coding change: c.505C>T on transcript NM_001062.4 (MANE Select); coding-DNA position 505, C replaced by T.
Protein change: p.His169Tyr; replaces histidine 169 with tyrosine.
Molecular consequence: missense variant.
Genome position (GRCh38, 1-based): chr11:59,861,578, G>A on the plus strand (C>T on the coding strand, the complement: TCN1 is on the minus strand). VCF-style: chr11-59861578-G-A. GRCh37 (hg19) VCF-style: chr11-59629051-G-A.
Other names: short protein forms H169Y.
Identifiers: ClinVar variation 1057314 (VCV001057314.9), dbSNP rs1273915693, ClinGen allele CA380807969.

ClinVar aggregate classification (germline): Uncertain significance (1 of 4 stars; one submission).

Conditions:
Transcobalamin I deficiency (TCN1D). Also called: TCN1 DEFICIENCY; COBALAMIN PSEUDODEFICIENCY DUE TO TRANSCOBALAMIN DEFICIENCY; COBALAMIN R BINDER PROTEIN DEFICIENCY. Identifiers: Orphanet 2967, MedGen C0342700, MONDO:0008659, OMIM 193090.

gnomAD v4.1: 2 of 1,613,976 alleles (0.00012%); highest among the groups gnomAD compares: South Asian, 0.0022%; no homozygotes.

Submission:

Labcorp Genetics (formerly Invitae), Labcorp
Classification: Uncertain significance for Transcobalamin I deficiency. Last evaluated: 2020-08-05. Review status: criteria provided, single submitter. Criteria: Invitae Variant Classification Sherloc (09022015). Collection method: clinical testing. Allele origin: germline.
Comment: This variant is not present in population databases (ExAC no frequency). In summary, the available evidence is currently insufficient to determine the role of this variant in disease. Therefore, it has been classified as a Variant of Uncertain Significance. Algorithms developed to predict the effect of missense changes on protein structure and function output the following: SIFT: "Tolerated"; PolyPhen-2: "Benign"; Align-GVGD: "Class C0". The tyrosine amino acid residue is found in multiple mammalian species, suggesting that this missense change does not adversely affect protein function. These predictions have not been confirmed by published functional studies and their clinical significance is uncertain. This variant has not been reported in the literature in individuals with TCN1-related conditions. This sequence change replaces histidine with tyrosine at codon 169 of the TCN1 protein (p.His169Tyr). The histidine residue is weakly conserved and there is a moderate physicochemical difference between histidine and tyrosine.